The following is an entry in ClinVar:

ClinVar aggregate classification (germline): Likely benign. Review status: criteria provided, multiple submitters, no conflicts (2 of 4 stars). 5 submissions from 5 submitters: Likely benign (5). Last evaluated 2023-09-21.

Conditions:
Cardiomyopathy (CMYO). Also called: Cardiomyopathies. Identifiers: Orphanet 167848, MedGen C0878544, MONDO:0004994, HP:0001638. Inheritance: Various modes of inheritance.
Hypertrophic cardiomyopathy. Also called: HYPERTROPHIC MYOCARDIOPATHY. Identifiers: Orphanet 217569, MedGen C0007194, MeSH D002312, MONDO:0005045, HP:0001639.
Cardiovascular phenotype. Identifiers: MedGen CN230736.

Allele frequency attached by ClinVar (database versions not stated): gnomAD exomes below 0.00001; gnomAD 0.00001.
gnomAD v4.1: 3 of 1,613,906 alleles (0.00019%); highest among the groups gnomAD compares: African/African-American, 0.0027%; no homozygotes.

Submissions (5):

Labcorp Genetics (formerly Invitae), Labcorp
Classification: Likely benign for Hypertrophic cardiomyopathy. Last evaluated: 2023-09-21. Review status: criteria provided, single submitter. Criteria: Invitae Variant Classification Sherloc (09022015). Collection method: clinical testing. Allele origin: germline.

All of Us Research Program, National Institutes of Health
Classification: Likely benign for Hypertrophic cardiomyopathy. Last evaluated: 2023-09-17. Review status: criteria provided, single submitter. Criteria: ACMG Guidelines, 2015. Collection method: clinical testing. Allele origin: germline. Inheritance: Autosomal dominant inheritance. Observed: 1 variant allele, 1 heterozygote.
Comment: This study involves interpretation of variants in research participants for the purpose of population health screening. Participant phenotype was not available at the time of variant classification. Additional details can be found in publication PMID: 35346344, PMCID: PMC8962531

Ambry Genetics
Classification: Likely benign for Cardiovascular phenotype. Last evaluated: 2023-05-26. Review status: criteria provided, single submitter. Criteria: Ambry Variant Classification Scheme 2023. Collection method: clinical testing. Allele origin: germline.

Blueprint Genetics
Classification: Likely benign. Last evaluated: 2020-01-08. Review status: criteria provided, single submitter. Criteria: ACMG Guidelines, 2015. Collection method: clinical testing. Allele origin: germline.

Color Diagnostics, LLC DBA Color Health
Classification: Likely benign for Cardiomyopathy. Last evaluated: 2019-02-01. Review status: criteria provided, single submitter. Criteria: ACMG Guidelines, 2015. Collection method: clinical testing. Allele origin: germline.

NM_000256.3(MYBPC3):c.2100T>C (p.Asp700=)

Gene: MYBPC3 (myosin binding protein C3; minus strand). Cytogenetic location: 11p11.2.
Variant type: single nucleotide variant.
Coding change: c.2100T>C on transcript NM_000256.3 (MANE Select); coding-DNA position 2100, T replaced by C.
Protein change: p.Asp700=; no amino-acid change (aspartic acid 700 retained).
Molecular consequence: synonymous variant.
Genome position (GRCh38, 1-based): chr11:47,339,372, A>G on the plus strand (T>C on the coding strand, the complement: MYBPC3 is on the minus strand). VCF-style: chr11-47339372-A-G. GRCh37 (hg19) VCF-style: chr11-47360923-A-G.
Identifiers: ClinVar variation 725321 (VCV000725321.16), dbSNP rs1565626238, ClinGen allele CA474217389.